The following is an entry in ClinVar:

NM_017780.4(CHD7):c.297G>A (p.Ala99=)

Gene: CHD7 (chromodomain helicase DNA binding protein 7; plus strand). Cytogenetic location: 8q12.2.
Variant type: single nucleotide variant.
Coding change: c.297G>A on transcript NM_017780.4 (MANE Select); coding-DNA position 297, G replaced by A.
Protein change: p.Ala99=; no amino-acid change (alanine 99 retained).
Molecular consequence: synonymous variant.
Genome position (GRCh38, 1-based): chr8:60,741,729, G>A. VCF-style: chr8-60741729-G-A. GRCh37 (hg19) VCF-style: chr8-61654288-G-A.
Other names: c.297G>A, p.Ala99= (NM_001316690.1).
Identifiers: ClinVar variation 1128160 (VCV001128160.17), dbSNP rs775823361, ClinGen allele CA4759290.
Genomic context (GRCh38, chr8:60,741,729, plus strand): 5'-GATGCATCTGATGGATCAGCCGAACAGAATGATGAGCAACACCCCTGGGAACGGACTCGC[G>A]TCTCCGCACTCGCAGTATCACACCCCTCCCGTTCCTCAGGTGCCCCATGGTGGCAGTGGT-3'
Protein context (NP_060250.2, residues 89-109): MMSNTPGNGL[Ala99=]SPHSQYHTPP

ClinVar aggregate classification (germline): Likely benign. Review status: criteria provided, multiple submitters, no conflicts (2 of 4 stars). 2 submissions from 2 submitters: Likely benign (2). Last evaluated 2025-10-25.

Conditions:
CHARGE syndrome (CHARGE). Also called: Hittner Hirsch Kreh syndrome; CHARGE ASSOCIATION--COLOBOMA, HEART ANOMALY, CHOANAL ATRESIA, RETARDATION, GENITAL AND EAR ANOMALIES; Coloboma, heart anomaly, choanal atresia, retardation, genital and ear anomalies; CHARGE association; Hall-Hittner syndrome. Identifiers: Orphanet 138, MedGen C0265354, MONDO:0008965.

Allele frequency attached by ClinVar (database versions not stated): gnomAD 0.00001; gnomAD exomes 0.00003; TOPMed 0.00003; ExAC 0.00005.
gnomAD v4.1: 21 of 1,613,846 alleles (0.0013%); highest among the groups gnomAD compares: Admixed American, 0.017%; no homozygotes.

Submissions (2):

Labcorp Genetics (formerly Invitae), Labcorp
Classification: Likely benign for CHARGE syndrome. Last evaluated: 2025-10-25. Review status: criteria provided, single submitter. Criteria: Invitae Variant Classification Sherloc (09022015). Collection method: clinical testing. Allele origin: germline.

CeGaT Center for Human Genetics Tuebingen
Classification: Likely benign. Last evaluated: 2025-08-01. Review status: criteria provided, single submitter. Criteria: CeGaT Center For Human Genetics Tuebingen Variant Classification Criteria Version 2. Collection method: clinical testing. Allele origin: germline. Affected: yes. Observed: 1 variant allele.
Comment: CHD7: BP4, BP7